The following is an entry in ClinVar:

NM_003978.5(PSTPIP1):c.790G>A (p.Asp264Asn)

Gene: PSTPIP1 (proline-serine-threonine phosphatase interacting protein 1; plus strand). Cytogenetic location: 15q24.3.
Variant type: single nucleotide variant.
Coding change: c.790G>A on transcript NM_003978.5 (MANE Select); coding-DNA position 790, G replaced by A.
Protein change: p.Asp264Asn; replaces aspartic acid 264 with asparagine.
Molecular consequence: missense variant.
Genome position (GRCh38, 1-based): chr15:77,032,346, G>A. VCF-style: chr15-77032346-G-A. GRCh37 (hg19) VCF-style: chr15-77324687-G-A.
Other names: c.790G>A, p.Asp264Asn (NM_001321135.2, NM_001411086.1); c.763G>A, p.Asp255Asn (NM_001321136.2); c.985G>A, p.Asp329Asn (NM_001321137.1); short protein forms D255N, D264N, D329N.
Identifiers: ClinVar variation 1709441 (VCV001709441.5), dbSNP rs772313911, ClinGen allele CA7675983.

ClinVar aggregate classification (germline): Uncertain significance. Review status: criteria provided, multiple submitters, no conflicts (2 of 4 stars). 2 submissions from 2 submitters: Uncertain significance (2). Last evaluated 2023-04-06.

Conditions:
Pyogenic arthritis-pyoderma gangrenosum-acne syndrome (PAPA). Also called: FAMILIAL RECURRENT ARTHRITIS; PAPA SYNDROME. Identifiers: Orphanet 69126, MedGen C1858361, MONDO:0011462, OMIM 604416.

Allele frequency attached by ClinVar (database versions not stated): TOPMed below 0.00001; ExAC 0.00001; gnomAD exomes 0.00001; gnomAD 0.00002.
gnomAD v4.1: 10 of 1,612,538 alleles (0.00062%); highest among the groups gnomAD compares: Middle Eastern, 0.033%; no homozygotes.

Submissions (2):

Labcorp Genetics (formerly Invitae), Labcorp
Classification: Uncertain significance for Pyogenic arthritis-pyoderma gangrenosum-acne syndrome. Last evaluated: 2023-04-06. Review status: criteria provided, single submitter. Criteria: Invitae Variant Classification Sherloc (09022015). Collection method: clinical testing. Allele origin: germline.
Comment: This variant has not been reported in the literature in individuals affected with PSTPIP1-related conditions. In summary, the available evidence is currently insufficient to determine the role of this variant in disease. Therefore, it has been classified as a Variant of Uncertain Significance. Advanced modeling of protein sequence and biophysical properties (such as structural, functional, and spatial information, amino acid conservation, physicochemical variation, residue mobility, and thermodynamic stability) performed at Invitae indicates that this missense variant is expected to disrupt PSTPIP1 protein function. ClinVar contains an entry for this variant (Variation ID: 1709441). This variant is present in population databases (rs772313911, gnomAD 0.007%). This sequence change replaces aspartic acid, which is acidic and polar, with asparagine, which is neutral and polar, at codon 264 of the PSTPIP1 protein (p.Asp264Asn).

MGZ Medical Genetics Center
Classification: Uncertain significance for Pyogenic arthritis-pyoderma gangrenosum-acne syndrome. Last evaluated: 2022-08-02. Review status: criteria provided, single submitter. Criteria: ACMG Guidelines, 2015. Collection method: clinical testing. Allele origin: germline. Affected: yes. Observed: 1 variant allele.
Comment: ACMG criteria applied: PM2_SUP, PP3